The following is an entry in ClinVar:

ClinVar aggregate classification (germline): Likely benign (1 of 4 stars; one submission).

Allele frequency attached by ClinVar (database versions not stated): gnomAD exomes 0.00001; TOPMed 0.00002.

Submission:

Laboratory for Molecular Medicine, Mass General Brigham Personalized Medicine
Classification: Likely benign. Last evaluated: 2015-08-06. Review status: criteria provided, single submitter. Criteria: LMM Criteria. Collection method: clinical testing. Allele origin: germline. Observed: 1 variant allele.
Comment: p.His105His in exon 2 of GIPC3: This variant is not expected to have clinical si gnificance because it does not alter an amino acid residue and is not located wi thin the splice consensus sequence.

NM_133261.3(GIPC3):c.315C>T (p.His105=)

Gene: GIPC3 (GIPC PDZ domain containing family member 3; plus strand). Cytogenetic location: 19p13.3.
Variant type: single nucleotide variant.
Coding change: c.315C>T on transcript NM_133261.3 (MANE Select); coding-DNA position 315, C replaced by T.
Protein change: p.His105=; no amino-acid change (histidine 105 retained).
Molecular consequence: synonymous variant.
Genome position (GRCh38, 1-based): chr19:3,586,584, C>T. VCF-style: chr19-3586584-C-T. GRCh37 (hg19) VCF-style: chr19-3586582-C-T.
Identifiers: ClinVar variation 227380 (VCV000227380.4), dbSNP rs876657468, ClinGen allele CA10577098.